The following is an entry in ClinVar:

ClinVar aggregate classification (germline): Uncertain significance (1 of 4 stars; one submission).

Conditions:
Chuvash polycythemia. Also called: POLYCYTHEMIA, VHL-DEPENDENT. Identifiers: Orphanet 238557, MedGen C1837915, MONDO:0009892, OMIM 263400.
Von Hippel-Lindau syndrome (VHLS). Also called: von Hippel–Lindau syndrome; VHL syndrome; Von Hippel-Lindau. Identifiers: Orphanet 892, MedGen C0019562, MONDO:0008667, OMIM 193300. Disease mechanism: loss of function.

Submission:

Labcorp Genetics (formerly Invitae), Labcorp
Classification: Uncertain significance for Von Hippel-Lindau syndrome; Chuvash polycythemia. Last evaluated: 2026-02-01. Review status: criteria provided, single submitter. Criteria: Invitae Variant Classification Sherloc (09022015). Collection method: clinical testing. Allele origin: germline.
Comment: This sequence change falls in intron 1 of the VHL gene. It is not expected to change the encoded amino acid sequence of the VHL protein. However, this sequence change falls within a cryptic exon in the VHL gene, known as exon E1’, which is naturally expressed at low levels in several human tissues (PMID: 29891534). This variant is not present in population databases (gnomAD no frequency). This variant has not been reported in the literature in individuals affected with VHL-related conditions. In summary, the available evidence is currently insufficient to determine the role of this variant in disease. Therefore, it has been classified as a Variant of Uncertain Significance.

Literature cited by the submitters: PubMed 29891534.

NM_000551.4(VHL):c.340+806_340+825del

Genes: VHL (von Hippel-Lindau tumor suppressor; plus strand), LOC107303340 (3p25 von Hippel-Lindau tumor suppressor, E3 ubiquitin protein ligase Alu-mediated recombination region; plus strand). Cytogenetic location: 3p25.3.
Variant type: Deletion.
Coding change: c.340+806_340+825del on transcript NM_000551.4 (MANE Select); bases 806 to 825 of the intron after coding-DNA position 340, 20 bases deleted (AGGATGGAGTAGGAACTAGC).
Molecular consequence: intron variant. On other transcripts: frameshift variant (1), non-coding transcript variant (1).
Genome position (GRCh38, 1-based): chr3:10,142,993-10,143,012, AGGATGGAGTAGGAACTAGC deleted; deleting any 20 consecutive bases within chr3:10,142,990-10,143,012 gives the same sequence; the c. name uses the placement nearest the transcript's 3' end. VCF-style (leftmost placement, unchanged base first): chr3-10142989-GAGCAGGATGGAGTAGGAACT-G. GRCh37 (hg19) VCF-style: chr3-10184673-GAGCAGGATGGAGTAGGAACT-G.
Other names: c.571_*8del, p.Arg191fs (NM_001354723.2); c.340+806_340+825del (NM_198156.3); short protein forms R191fs.
Identifiers: ClinVar variation 4793304 (VCV004793304.1).